The following is an entry in ClinVar:

NM_005612.5(REST):c.1663A>G (p.Ser555Gly)

Gene: REST (RE1 silencing transcription factor; plus strand). Cytogenetic location: 4q12.
Variant type: single nucleotide variant.
Coding change: c.1663A>G on transcript NM_005612.5 (MANE Select); coding-DNA position 1663, A replaced by G.
Protein change: p.Ser555Gly; replaces serine 555 with glycine.
Molecular consequence: missense variant.
Genome position (GRCh38, 1-based): chr4:56,930,521, A>G. VCF-style: chr4-56930521-A-G. GRCh37 (hg19) VCF-style: chr4-57796687-A-G.
Other names: c.1663A>G, p.Ser555Gly (NM_001193508.2, NM_001363453.3); short protein forms S555G.
Identifiers: ClinVar variation 2015473 (VCV002015473.4), dbSNP rs770372094, ClinGen allele CA97636538.

ClinVar aggregate classification (germline): Uncertain significance (1 of 4 stars; one submission).

Submission:

Labcorp Genetics (formerly Invitae), Labcorp
Classification: Uncertain significance. Last evaluated: 2022-07-09. Review status: criteria provided, single submitter. Criteria: Invitae Variant Classification Sherloc (09022015). Collection method: clinical testing. Allele origin: germline.
Comment: This variant is not present in population databases (gnomAD no frequency). This variant has not been reported in the literature in individuals affected with REST-related conditions. Algorithms developed to predict the effect of missense changes on protein structure and function output the following: SIFT: "Tolerated"; PolyPhen-2: "Benign"; Align-GVGD: "Class C0". The glycine amino acid residue is found in multiple mammalian species, which suggests that this missense change does not adversely affect protein function. In summary, the available evidence is currently insufficient to determine the role of this variant in disease. Therefore, it has been classified as a Variant of Uncertain Significance. This sequence change replaces serine, which is neutral and polar, with glycine, which is neutral and non-polar, at codon 555 of the REST protein (p.Ser555Gly).